The following is an entry in ClinVar:

NM_018979.4(WNK1):c.565_567dup (p.Ser189_Ala190insSer)

Gene: WNK1 (WNK lysine deficient protein kinase 1; plus strand). Cytogenetic location: 12p13.33.
Variant type: Duplication.
Coding change: c.565_567dup on transcript NM_018979.4 (MANE Select); coding-DNA positions 565 to 567, 3 bases duplicated (AGC; older notation c.565_567dupAGC).
Protein change: p.Ser189_Ala190insSer.
Molecular consequence: inframe insertion.
Genome position (GRCh38, 1-based): chr12:754,130-754,132, AGC duplicated; duplicating any 3 consecutive bases within chr12:754,128-754,132 gives the same sequence; the c. name uses the placement nearest the transcript's 3' end. VCF-style (leftmost placement, unchanged base first): chr12-754127-G-GGCA. GRCh37 (hg19) VCF-style: chr12-863293-G-GGCA.
Other names: c.565_567dup, p.Ser189_Ala190insSer (NM_001184985.2, NM_014823.3, NM_213655.5).
Identifiers: ClinVar variation 3757264 (VCV003757264.2).

ClinVar aggregate classification (germline): Uncertain significance (1 of 4 stars; one submission).

Conditions:
Neuropathy, hereditary sensory and autonomic, type 2A (HSAN2A). Also called: ACROOSTEOLYSIS, GIACCAI TYPE; ACROOSTEOLYSIS, NEUROGENIC; MORVAN DISEASE; NEUROPATHY, CONGENITAL SENSORY; NEUROPATHY, HEREDITARY SENSORY RADICULAR, AUTOSOMAL RECESSIVE; NEUROPATHY, HEREDITARY SENSORY, TYPE IIA. Identifiers: Orphanet 970, MedGen C2752089, MONDO:0024309, OMIM 201300.
Pseudohypoaldosteronism type 2C (PHA2C). Also called: Pseudohypoaldosteronism Type IIC. Identifiers: Orphanet 757, Orphanet 88940, MedGen C1840391, MONDO:0013778, OMIM 614492.

Submission:

Labcorp Genetics (formerly Invitae), Labcorp
Classification: Uncertain significance for Neuropathy, hereditary sensory and autonomic, type 2A; Pseudohypoaldosteronism type 2C. Last evaluated: 2024-07-16. Review status: criteria provided, single submitter. Criteria: Invitae Variant Classification Sherloc (09022015). Collection method: clinical testing. Allele origin: germline.
Comment: This variant, c.565_567dup, results in the insertion of 1 amino acid(s) of the WNK1 protein (p.Ser189dup), but otherwise preserves the integrity of the reading frame. This variant is not present in population databases (gnomAD no frequency). This variant has not been reported in the literature in individuals affected with WNK1-related conditions. In summary, the available evidence is currently insufficient to determine the role of this variant in disease. Therefore, it has been classified as a Variant of Uncertain Significance.